The following is an entry in ClinVar:

NM_015450.3(POT1):c.126T>A (p.Asp42Glu)

Gene: POT1 (protection of telomeres 1; minus strand). Cytogenetic location: 7q31.33.
Variant type: single nucleotide variant.
Coding change: c.126T>A on transcript NM_015450.3 (MANE Select); coding-DNA position 126, T replaced by A.
Protein change: p.Asp42Glu; replaces aspartic acid 42 with glutamic acid.
Molecular consequence: missense variant. On other transcripts: non-coding transcript variant (3), intron variant (1).
Genome position (GRCh38, 1-based): chr7:124,871,040, A>T on the plus strand (T>A on the coding strand, the complement: POT1 is on the minus strand). VCF-style: chr7-124871040-A-T. GRCh37 (hg19) VCF-style: chr7-124511094-A-T.
Other names: c.-138-7400T>A (NM_001042594.2); short protein forms D42E.
Identifiers: ClinVar variation 3668731 (VCV003668731.3).

ClinVar aggregate classification (germline): Pathogenic/Likely pathogenic. Review status: criteria provided, multiple submitters, no conflicts (2 of 4 stars). 2 submissions from 2 submitters: Pathogenic (1); Likely pathogenic (1). Last evaluated 2025-12-23.

Conditions:
Long telomere syndrome.
Tumor predisposition syndrome 3 (TPDS3). Also called: Glioma susceptibility 9; LONG TELOMERE SYNDROME, POT1-RELATED; POT1 Tumor Predisposition; Melanoma, cutaneous malignant, susceptibility to, 10. Identifiers: Orphanet 618, MedGen C4014476, MONDO:0014368, OMIM 615848.

gnomAD v4.1: 1 of 1,575,176 alleles (0.000063%); highest among the groups gnomAD compares: Non-Finnish European, 0.000086%; no homozygotes.

Submissions (2):

The Telomere Center at Johns Hopkins, Johns Hopkins University School of Medicine
Classification: Pathogenic for Long Telomere Syndrome. Last evaluated: 2025-12-23. Review status: criteria provided, single submitter. Criteria: Davidson-Swinton et al. (Blood. 2026). Collection method: clinical testing. Allele origin: germline. Affected: yes.

Labcorp Genetics (formerly Invitae), Labcorp
Classification: Likely pathogenic for Tumor predisposition syndrome 3. Last evaluated: 2024-10-07. Review status: criteria provided, single submitter. Criteria: Invitae Variant Classification Sherloc (09022015). Collection method: clinical testing. Allele origin: germline.
Comment: This sequence change replaces aspartic acid, which is acidic and polar, with glutamic acid, which is acidic and polar, at codon 42 of the POT1 protein (p.Asp42Glu). This variant is not present in population databases (gnomAD no frequency). This missense change has been observed in individuals with POT1-related conditions (external communication, internal data). An algorithm developed to predict the effect of missense changes on protein structure and function (PolyPhen-2) suggests that this variant is likely to be disruptive. In summary, the currently available evidence indicates that the variant is pathogenic, but additional data are needed to prove that conclusively. Therefore, this variant has been classified as Likely Pathogenic.